The following is an entry in ClinVar:

NM_001197104.2(KMT2A):c.7222T>C (p.Ser2408Pro)

Gene: KMT2A (lysine methyltransferase 2A; plus strand). Cytogenetic location: 11q23.3.
Variant type: single nucleotide variant.
Coding change: c.7222T>C on transcript NM_001197104.2 (MANE Select); coding-DNA position 7222, T replaced by C.
Protein change: p.Ser2408Pro; replaces serine 2408 with proline.
Molecular consequence: missense variant.
Genome position (GRCh38, 1-based): chr11:118,503,114, T>C. VCF-style: chr11-118503114-T-C. GRCh37 (hg19) VCF-style: chr11-118373829-T-C.
Other names: c.7312T>C, p.Ser2438Pro (NM_001412597.1); c.7213T>C, p.Ser2405Pro (NM_005933.4); short protein forms S2408P, S2405P, S2438P.
Identifiers: ClinVar variation 1945331 (VCV001945331.5), dbSNP rs2134390257, ClinGen allele CA382804755.
Genomic context (GRCh38, chr11:118,503,114, plus strand): 5'-TCTACCCAATCAGCAAACTCCTCTCCAGATGAAGATACTGAAGTCAAAACCTTGAAGCTA[T>C]CTGGAATGAGCAACAGATCATCCATTATCAACGAACATATGGGATCTAGTTCCAGAGATA-3'
Protein context (NP_001184033.1, residues 2398-2418): EDTEVKTLKL[Ser2408Pro]GMSNRSSIIN

ClinVar aggregate classification (germline): Uncertain significance (1 of 4 stars; one submission).

Submission:

Labcorp Genetics (formerly Invitae), Labcorp
Classification: Uncertain significance. Last evaluated: 2022-02-23. Review status: criteria provided, single submitter. Criteria: Invitae Variant Classification Sherloc (09022015). Collection method: clinical testing. Allele origin: germline.
Comment: This sequence change replaces serine, which is neutral and polar, with proline, which is neutral and non-polar, at codon 2408 of the KMT2A protein (p.Ser2408Pro). This variant is not present in population databases (gnomAD no frequency). This variant has not been reported in the literature in individuals affected with KMT2A-related conditions. Advanced modeling of protein sequence and biophysical properties (such as structural, functional, and spatial information, amino acid conservation, physicochemical variation, residue mobility, and thermodynamic stability) performed at Invitae indicates that this missense variant is not expected to disrupt KMT2A protein function. In summary, the available evidence is currently insufficient to determine the role of this variant in disease. Therefore, it has been classified as a Variant of Uncertain Significance.